The following is an entry in ClinVar:

ClinVar aggregate classification (germline): Uncertain significance (1 of 4 stars; one submission).

Submission:

Labcorp Genetics (formerly Invitae), Labcorp
Classification: Uncertain significance. Last evaluated: 2024-04-17. Review status: criteria provided, single submitter. Criteria: Invitae Variant Classification Sherloc (09022015). Collection method: clinical testing. Allele origin: germline.
Comment: This sequence change replaces proline, which is neutral and non-polar, with threonine, which is neutral and polar, at codon 281 of the SLC22A4 protein (p.Pro281Thr). This variant is not present in population databases (gnomAD no frequency). This variant has not been reported in the literature in individuals affected with SLC22A4-related conditions. Advanced modeling of protein sequence and biophysical properties (such as structural, functional, and spatial information, amino acid conservation, physicochemical variation, residue mobility, and thermodynamic stability) performed at Invitae indicates that this missense variant is expected to disrupt SLC22A4 protein function with a positive predictive value of 80%. In summary, the available evidence is currently insufficient to determine the role of this variant in disease. Therefore, it has been classified as a Variant of Uncertain Significance.

NM_003059.3(SLC22A4):c.841C>A (p.Pro281Thr)

Genes: MIR3936HG (MIR3936 host gene; minus strand), SLC22A4 (solute carrier family 22 member 4; plus strand). Cytogenetic location: 5q31.1.
Variant type: single nucleotide variant.
Coding change: c.841C>A on transcript NM_003059.3 (MANE Select); coding-DNA position 841, C replaced by A.
Protein change: p.Pro281Thr; replaces proline 281 with threonine.
Molecular consequence: missense variant.
Genome position (GRCh38, 1-based): chr5:132,327,293, C>A. VCF-style: chr5-132327293-C-A. GRCh37 (hg19) VCF-style: chr5-131662986-C-A.
Other names: short protein forms P281T.
Identifiers: ClinVar variation 3650270 (VCV003650270.2).